The following is an entry in ClinVar:

NM_201378.4(PLEC):c.71-11919del

Gene: PLEC (plectin; minus strand). Cytogenetic location: 8q24.3.
Variant type: Deletion.
Coding change: c.71-11919del on transcript NM_201378.4 (MANE Plus Clinical); 11919 bases into the intron before coding-DNA position 71, one base deleted (G; older notation c.71-11919delG).
Molecular consequence: intron variant. On other transcripts: frameshift variant (1).
Genome position (GRCh38, 1-based): chr8:143,950,611, C deleted on the plus strand (G on the coding strand, the reverse complement: PLEC is on the minus strand); the first of 2 consecutive C bases (chr8:143,950,611-143,950,612); deleting either gives the same sequence. VCF-style (leftmost placement, unchanged base first): chr8-143950610-GC-G. GRCh37 (hg19) VCF-style: chr8-145024778-GC-G.
Other names: c.96del, p.Arg34fs (NM_201380.4); c.194-11919del (NM_001410941.1, NM_000445.5); c.46+3115del (NM_201379.3); short protein forms R34fs.
Identifiers: ClinVar variation 1211963 (VCV001211963.6), dbSNP rs782397123, ClinGen allele CA4929022.

ClinVar aggregate classification (germline): Uncertain significance. Review status: criteria provided, multiple submitters, no conflicts (2 of 4 stars). 2 submissions from 2 submitters: Uncertain significance (2). Last evaluated 2026-04-09.

Conditions:
PLEC-related disorder. Also called: PLEC-related condition; PLEC-related disorders.

Submissions (2):

PreventionGenetics, part of Exact Sciences
Classification: Uncertain significance for PLEC-related condition. Last evaluated: 2026-04-09. Review status: criteria provided, single submitter. Criteria: ACMG Guidelines, 2015. Collection method: clinical testing. Allele origin: germline.
Comment: The PLEC c.96delG variant is predicted to result in a frameshift and premature protein termination (p.Arg34Alafs*74). Using an alternate transcript, NM_000445.5, this variant is also referred to as c.194-11919del, which is predicted to not impact splicing based on available splicing prediction programs (SpliceAI, Jaganathan et al. 2019. PubMed ID: 30661751). To our knowledge, this variant has not been reported in the literature. This variant is reported in 0.041% of alleles in individuals of African descent in gnomAD. At this time, the clinical significance of this variant is uncertain due to the absence of conclusive functional and genetic evidence.

GeneDx
Classification: Uncertain significance. Last evaluated: 2019-09-06. Review status: criteria provided, single submitter. Criteria: GeneDx Variant Classification Process June 2021. Collection method: clinical testing. Allele origin: germline. Affected: yes.
Comment: Frameshift variant predicted to result in protein truncation or nonsense mediated decay in a gene for which loss-of-function is not a known mechanism of disease on alternative transcript; Has not been previously published as pathogenic or benign to our knowledge